The following is an entry in ClinVar:

ClinVar aggregate classification (germline): Benign/Likely benign. Review status: criteria provided, multiple submitters, no conflicts (2 of 4 stars). 2 submissions from 2 submitters: Benign (1); Likely benign (1). Last evaluated 2022-04-19.

Conditions:
Hereditary breast ovarian cancer syndrome. Also called: Hereditary breast and ovarian cancer syndrome; BRCA1- and BRCA2-Associated Hereditary Breast and Ovarian Cancer; Hereditary breast and ovarian cancer syndrome (HBOC); Hereditary breast and/or ovarian cancer syndrome; Breast and ovarian cancer; Hereditary breast and ovarian cancer. Identifiers: Orphanet 145, MedGen C0677776, MeSH D061325, MONDO:0003582. Disease mechanism: loss of function.

Submissions (2):

National Health Laboratory Service, Universitas Academic Hospital and University of the Free State
Classification: Benign for Hereditary breast ovarian cancer syndrome. Last evaluated: 2022-04-19. Review status: criteria provided, single submitter. Criteria: ACMG Guidelines, 2015. Collection method: clinical testing. Allele origin: germline. Affected: yes. Observed: 7 variant alleles.

GeneDx
Classification: Likely benign. Last evaluated: 2019-08-30. Review status: criteria provided, single submitter. Criteria: GeneDx Variant Classification Process June 2021. Collection method: clinical testing. Allele origin: germline. Affected: yes.
Comment: See Variant Classification Assertion Criteria.

NM_000051.4(ATM):c.2251-115dup

Gene: ATM (ATM serine/threonine kinase; plus strand). Cytogenetic location: 11q22.3.
Variant type: Duplication.
Coding change: c.2251-115dup on transcript NM_000051.4 (MANE Select); 115 bases into the intron before coding-DNA position 2251, one base duplicated (T; older notation c.2251-115dupT).
Molecular consequence: intron variant.
Genome position (GRCh38, 1-based): chr11:108,257,366, T duplicated; the last of 2 consecutive T bases (chr11:108,257,365-108,257,366); duplicating either gives the same sequence. VCF-style (leftmost placement, unchanged base first): chr11-108257364-C-CT. GRCh37 (hg19) VCF-style: chr11-108128091-C-CT.
Other names: c.2251-115dup (NM_001351834.2).
Identifiers: ClinVar variation 1679065 (VCV001679065.3), dbSNP rs4987959, ClinGen allele CA228398284.